The following is an entry in ClinVar:

ClinVar aggregate classification (germline): Uncertain significance (1 of 4 stars; one submission).

Conditions:
Genitourinary and/or brain malformation syndrome (GUBS). Also called: PPP1R12A-Related Urogenital and/or Brain Malformation Syndrome. Identifiers: MedGen C5394158, MONDO:0032934, OMIM 618820.

Submission:

Department of Molecular Genetics, Istishari Arab Hospital
Classification: Uncertain significance for Genitourinary and/or brain malformation syndrome. Last evaluated: 2026-03-10. Review status: criteria provided, single submitter. Criteria: ACMG Guidelines, 2015. Collection method: clinical testing. Allele origin: germline. Inheritance: Autosomal dominant inheritance. Affected: yes.
Comment: The PPP1R12A variant c.792G>C, p.Val264= is a synonymous change in the last nucleotide of exon 5 that is predicted to disrupt the conserved splice site and thus affects normal protein function. This variant is not observed in the gnomAD v4.1.0 dataset and has not been previously described in the literature. It is classified as a variant of uncertain significance according to the recommendations of ACMG/AMP/ClinGen SVI guidelines.

NM_002480.3(PPP1R12A):c.792G>C (p.Val264=)

Gene: PPP1R12A (protein phosphatase 1 regulatory subunit 12A; minus strand). Cytogenetic location: 12q21.2.
Variant type: single nucleotide variant.
Coding change: c.792G>C on transcript NM_002480.3 (MANE Select); coding-DNA position 792, G replaced by C.
Protein change: p.Val264=; no amino-acid change (valine 264 retained).
Molecular consequence: synonymous variant.
Genome position (GRCh38, 1-based): chr12:79,828,320, C>G on the plus strand (G>C on the coding strand, the complement: PPP1R12A is on the minus strand). VCF-style: chr12-79828320-C-G. GRCh37 (hg19) VCF-style: chr12-80222100-C-G.
Other names: p.Val264=; c.792G>C, p.Val264= (NM_001244992.1, NM_001143885.2, NM_001244990.2); c.531G>C, p.Val177= (NM_001143886.2).
Identifiers: ClinVar variation 4813619 (VCV004813619.1).